The following is an entry in ClinVar:

NM_005909.5(MAP1B):c.4502C>T (p.Ser1501Phe)

Gene: MAP1B (microtubule associated protein 1B; plus strand). Cytogenetic location: 5q13.2.
Variant type: single nucleotide variant.
Coding change: c.4502C>T on transcript NM_005909.5 (MANE Select); coding-DNA position 4502, C replaced by T.
Protein change: p.Ser1501Phe; replaces serine 1501 with phenylalanine.
Molecular consequence: missense variant.
Genome position (GRCh38, 1-based): chr5:72,197,857, C>T. VCF-style: chr5-72197857-C-T. GRCh37 (hg19) VCF-style: chr5-71493684-C-T.
Other names: c.4124C>T, p.Ser1375Phe (NM_001324255.2); short protein forms S1501F, S1375F.
Identifiers: ClinVar variation 5010064 (VCV005010064.1).
Genomic context (GRCh38, chr5:72,197,857, plus strand): 5'-TTGAAGCCATGAGTTCTCAACCAGCACTGGCTCTGGATGAAAGGAAATTAGGAGATGTTT[C>T]TCCCACACAAATAGATGTCAGTCAGTTTGGATCTTTTAAAGAAGACACTAAGATGTCCAT-3'
Protein context (NP_005900.2, residues 1491-1511): ALDERKLGDV[Ser1501Phe]PTQIDVSQFG

ClinVar aggregate classification (germline): Uncertain significance (1 of 4 stars; one submission).

gnomAD v4.1: 2 of 1,614,222 alleles (0.00012%); highest among the groups gnomAD compares: Non-Finnish European, 0.00017%; no homozygotes.

Submission:

GeneDx
Classification: Uncertain significance. Last evaluated: 2026-02-28. Review status: criteria provided, single submitter. Criteria: GeneDx Variant Classification Process June 2021. Collection method: clinical testing. Allele origin: germline.
Comment: Not observed at significant frequency in large population cohorts (gnomAD); In silico analysis suggests that this missense variant does not alter protein structure/function; Has not been previously published as pathogenic or benign to our knowledge